The following is an entry in ClinVar:

ClinVar aggregate classification (germline): Conflicting classifications of pathogenicity. Review status: criteria provided, conflicting classifications (1 of 4 stars). 12 submissions from 12 submitters: Uncertain significance (3); Benign (1); Likely benign (7). 1 of the submissions does not count toward it. Last evaluated 2026-09-01.

Conditions:
PRX-related disorder. Also called: PRX-Related Disorders; PRX-related condition.
Charcot-Marie-Tooth disease type 4. Also called: Charcot-Marie-Tooth, Type 4; Charcot-Marie-Tooth disease, type IV. Identifiers: Orphanet 64749, MedGen C4082197, MONDO:0018995.
Charcot-Marie-Tooth disease type 4F. Also called: Charcot-Marie-Tooth disease, demyelinating, type 4F. Identifiers: Orphanet 99952, MedGen C3540453, MONDO:0013959, OMIM 614895.
Inborn genetic diseases. Identifiers: MedGen C0950123, MeSH D030342.
Charcot-Marie-Tooth disease. Also called: Charcot-Marie-Tooth Neuropathy; Charcot-Marie-Tooth Hereditary Neuropathy. Identifiers: Orphanet 166, MedGen C0007959, MONDO:0015626.

Allele frequency attached by ClinVar (database versions not stated): 1000 Genomes Project 0.00040; 1000 Genomes Project 30x 0.00047; ESP Exome Variant Server 0.00069; gnomAD exomes 0.00136 and 0.00198; ExAC 0.00145; TOPMed 0.00173; gnomAD 0.00176 and 0.00185.
gnomAD v4.1: 3,123 of 1,614,256 alleles (0.19%); highest among the groups gnomAD compares: Non-Finnish European, 0.24%; 2 homozygotes.

Submissions (12):

CeGaT Center for Human Genetics Tuebingen
Classification: Likely benign. Last evaluated: 2026-09-01. Review status: criteria provided, single submitter. Criteria: CeGaT Center For Human Genetics Tuebingen Variant Classification Criteria Version 2. Collection method: clinical testing. Allele origin: germline. Affected: yes. Observed: 14 variant alleles.
Comment: PRX: BP4

Labcorp Genetics (formerly Invitae), Labcorp
Classification: Likely benign for Charcot-Marie-Tooth disease type 4. Last evaluated: 2026-02-01. Review status: criteria provided, single submitter. Criteria: Invitae Variant Classification Sherloc (09022015). Collection method: clinical testing. Allele origin: germline.

ARUP Laboratories, Molecular Genetics and Genomics, ARUP Laboratories
Classification: Uncertain significance. Last evaluated: 2025-04-02. Review status: criteria provided, single submitter. Criteria: ARUP Molecular Germline Variant Investigation Process 2024. Collection method: clinical testing. Allele origin: germline.
Comment: The PRX c.2254G>A; p.Glu752Lys variant (rs147587689), is reported in the literature in individuals with suspected CMT disease or hereditary motor neuropathy (Antoniadi 2015, Gonzaga-Jauregui 2015, Volodarsky 2021). This variant is reported in ClinVar (Variation ID: 216834) and is found in the general population with an allele frequency of 0.14% (383/282,174 alleles, including 1 homozygote) in the Genome Aggregation Database (v2.1.1). Computational analyses predict that this variant is neutral (REVEL: 0.075). While the high population frequency suggests that this is likely a benign variant, given the lack of clinical and functional data, the significance of this variant is uncertain at this time. References: Antoniadi T et al. Application of targeted multi-gene panel testing for the diagnosis of inherited peripheral neuropathy provides a high diagnostic yield with unexpected phenotype-genotype variability. BMC Med Genet. 2015 Sep 21;16:84. PMID: 26392352. Gonzaga-Jauregui C et al. Exome Sequence Analysis Suggests that Genetic Burden Contributes to Phenotypic Variability and Complex Neuropathy. Cell Rep. 2015 Aug 18;12(7):1169-83. PMID: 26257172. Volodarsky M et al. Comprehensive genetic sequence and copy number analysis for Charcot-Marie-Tooth disease in a Canadian cohort of 2517 patients. J Med Genet. 2021 Apr;58(4):284-288. PMID: 32376792.

Mayo Clinic Laboratories, Mayo Clinic
Classification: Likely benign. Last evaluated: 2025-02-10. Review status: criteria provided, single submitter. Criteria: ACMG Guidelines, 2015. Collection method: clinical testing. Allele origin: germline. Observed: 10 variant alleles.
Comment: BS1, BP4_moderate

Blueprint Genetics
Classification: Likely benign. Last evaluated: 2024-11-11. Review status: criteria provided, single submitter. Criteria: ACMG Guidelines, 2015. Collection method: clinical testing. Allele origin: germline.

Athena Diagnostics
Classification: Benign. Last evaluated: 2024-03-08. Review status: criteria provided, single submitter. Criteria: Athena Diagnostics Criteria. Collection method: clinical testing. Allele origin: unknown.

Ambry Genetics
Classification: Likely benign for Inborn genetic diseases. Last evaluated: 2023-03-13. Review status: criteria provided, single submitter. Criteria: Ambry Variant Classification Scheme 2023. Collection method: clinical testing. Allele origin: germline.

GeneDx
Classification: Likely benign. Last evaluated: 2021-06-09. Review status: criteria provided, single submitter. Criteria: GeneDx Variant Classification Process June 2021. Collection method: clinical testing. Allele origin: germline. Affected: yes.
Comment: This variant is associated with the following publications: (PMID: 26392352, 26257172, 32376792)

Illumina Laboratory Services, Illumina
Classification: Uncertain significance for Charcot-Marie-Tooth disease type 4F. Last evaluated: 2018-01-12. Review status: criteria provided, single submitter. Criteria: ICSL Variant Classification Criteria 13 December 2019. Collection method: clinical testing. Allele origin: germline.

Eurofins Ntd Llc (ga)
Classification: Uncertain significance. Last evaluated: 2015-08-13. Review status: criteria provided, single submitter. Criteria: EGL Classification Definitions 2015. Collection method: clinical testing. Allele origin: germline. Observed: 1 variant allele, 1 heterozygote.

Molecular Genetics Laboratory, London Health Sciences Centre
Classification: Likely benign for Charcot-Marie-Tooth disease. Review status: criteria provided, single submitter. Criteria: ACMG Guidelines, 2015. Collection method: clinical testing. Allele origin: germline. Affected: yes.

PreventionGenetics, part of Exact Sciences
Classification: Likely benign for PRX-related condition. Last evaluated: 2020-08-03. Review status: no assertion criteria provided. Collection method: clinical testing. Allele origin: germline. Not counted in ClinVar's aggregate classification.
Comment: This variant is classified as likely benign based on ACMG/AMP sequence variant interpretation guidelines (Richards et al. 2015 PMID: 25741868, with internal and published modifications).

Literature cited by the submitters: PubMed 24969084 (cited by Athena Diagnostics); PubMed 26257172 (cited by Athena Diagnostics); PubMed 26392352 (cited by Athena Diagnostics).

NM_181882.3(PRX):c.2254G>A (p.Glu752Lys)

Gene: PRX (periaxin; minus strand). Cytogenetic location: 19q13.2.
Variant type: single nucleotide variant.
Coding change: c.2254G>A on transcript NM_181882.3 (MANE Select); coding-DNA position 2254, G replaced by A.
Protein change: p.Glu752Lys; replaces glutamic acid 752 with lysine.
Molecular consequence: missense variant. On other transcripts: 3 prime UTR variant (1).
Genome position (GRCh38, 1-based): chr19:40,396,098, C>T on the plus strand (G>A on the coding strand, the complement: PRX is on the minus strand). VCF-style: chr19-40396098-C-T. GRCh37 (hg19) VCF-style: chr19-40902005-C-T.
Other names: c.*2459G>A (NM_020956.2); short protein forms E752K.
Identifiers: ClinVar variation 216834 (VCV000216834.79), dbSNP rs147587689, ClinGen allele CA337174.